The following is an entry in ClinVar:

ClinVar aggregate classification (germline): Uncertain significance (1 of 4 stars; one submission).

Conditions:
Sulfite oxidase deficiency due to molybdenum cofactor deficiency type A. Also called: Molybdenum cofactor deficiency, complementation group A; Molybdenum Cofactor Deficiency A. Identifiers: Orphanet 308386, Orphanet 833, MedGen C1854988, MONDO:0009643, OMIM 252150.

Allele frequency attached by ClinVar (database versions not stated): gnomAD exomes below 0.00001; TOPMed below 0.00001.

Submission:

Labcorp Genetics (formerly Invitae), Labcorp
Classification: Uncertain significance for Sulfite oxidase deficiency due to molybdenum cofactor deficiency type A. Last evaluated: 2022-10-13. Review status: criteria provided, single submitter. Criteria: Invitae Variant Classification Sherloc (09022015). Collection method: clinical testing. Allele origin: germline.
Comment: This sequence change replaces methionine, which is neutral and non-polar, with threonine, which is neutral and polar, at codon 307 of the MOCS1 protein (p.Met307Thr). This variant is not present in population databases (gnomAD no frequency). This variant has not been reported in the literature in individuals affected with MOCS1-related conditions. ClinVar contains an entry for this variant (Variation ID: 1438999). Algorithms developed to predict the effect of missense changes on protein structure and function (SIFT, PolyPhen-2, Align-GVGD) all suggest that this variant is likely to be disruptive. In summary, the available evidence is currently insufficient to determine the role of this variant in disease. Therefore, it has been classified as a Variant of Uncertain Significance.

NM_001358530.2(MOCS1):c.920T>C (p.Met307Thr)

Gene: MOCS1 (molybdenum cofactor synthesis 1; minus strand). Cytogenetic location: 6p21.2.
Variant type: single nucleotide variant.
Coding change: c.920T>C on transcript NM_001358530.2 (MANE Select); coding-DNA position 920, T replaced by C.
Protein change: p.Met307Thr; replaces methionine 307 with threonine.
Molecular consequence: missense variant. On other transcripts: non-coding transcript variant (1).
Genome position (GRCh38, 1-based): chr6:39,912,325, A>G on the plus strand (T>C on the coding strand, the complement: MOCS1 is on the minus strand). VCF-style: chr6-39912325-A-G. GRCh37 (hg19) VCF-style: chr6-39880069-A-G.
Other names: c.920T>C, p.Met307Thr (NM_001075098.4, NM_001358529.2, NM_005943.6); c.659T>C, p.Met220Thr (NM_001358531.2, NM_001358533.2, NM_001358534.2); short protein forms M307T, M220T.
Identifiers: ClinVar variation 1438999 (VCV001438999.3), dbSNP rs1172609934, ClinGen allele CA364043113.